The following is an entry in ClinVar:

ClinVar aggregate classification (germline): Uncertain significance (1 of 4 stars; one submission).

Allele frequency attached by ClinVar (database versions not stated): gnomAD 0.00001; TOPMed 0.00003.
gnomAD v4.1: 8 of 1,474,428 alleles (0.00054%); highest among the groups gnomAD compares: African/African-American, 0.0042%; no homozygotes.

Submission:

Labcorp Genetics (formerly Invitae), Labcorp
Classification: Uncertain significance. Last evaluated: 2022-08-12. Review status: criteria provided, single submitter. Criteria: Invitae Variant Classification Sherloc (09022015). Collection method: clinical testing. Allele origin: germline.
Comment: This sequence change replaces serine, which is neutral and polar, with phenylalanine, which is neutral and non-polar, at codon 288 of the TRAF3IP1 protein (p.Ser288Phe). This variant is present in population databases (no rsID available, gnomAD 0.01%). This variant has not been reported in the literature in individuals affected with TRAF3IP1-related conditions. Algorithms developed to predict the effect of missense changes on protein structure and function are either unavailable or do not agree on the potential impact of this missense change (SIFT: "Tolerated"; PolyPhen-2: "Possibly Damaging"; Align-GVGD: "Class C0"). In summary, the available evidence is currently insufficient to determine the role of this variant in disease. Therefore, it has been classified as a Variant of Uncertain Significance.

NM_015650.4(TRAF3IP1):c.863C>T (p.Ser288Phe)

Gene: TRAF3IP1 (TRAF3 interacting protein 1; plus strand). Cytogenetic location: 2q37.3.
Variant type: single nucleotide variant.
Coding change: c.863C>T on transcript NM_015650.4 (MANE Select); coding-DNA position 863, C replaced by T.
Protein change: p.Ser288Phe; replaces serine 288 with phenylalanine.
Molecular consequence: missense variant.
Genome position (GRCh38, 1-based): chr2:238,329,290, C>T. VCF-style: chr2-238329290-C-T. GRCh37 (hg19) VCF-style: chr2-239237931-C-T.
Other names: c.863C>T, p.Ser288Phe (NM_001139490.1); short protein forms S288F.
Identifiers: ClinVar variation 1966475 (VCV001966475.5), dbSNP rs950187650, ClinGen allele CA67980465.
Genomic context (GRCh38, chr2:238,329,290, plus strand): 5'-AGCGCGACCGGGACAAAGGGAAGGACAGGGACAGACGGAGAGTGAAAAACGGGGAGCACT[C>T]CTGGGACCTGGACAGGGAGAAGAACAGAGAGCATGACAAACCTGAGAAAAAGGTAAAGTC-3'
Protein context (NP_056465.2, residues 278-298): DRRRVKNGEH[Ser288Phe]WDLDREKNRE